The following is an entry in ClinVar:

NM_000155.4(GALT):c.854A>C (p.Lys285Thr)

Gene: GALT (galactose-1-phosphate uridylyltransferase; plus strand). Cytogenetic location: 9p13.3.
Variant type: single nucleotide variant.
Coding change: c.854A>C on transcript NM_000155.4 (MANE Select); coding-DNA position 854, A replaced by C.
Protein change: p.Lys285Thr; replaces lysine 285 with threonine.
Molecular consequence: missense variant.
Genome position (GRCh38, 1-based): chr9:34,649,031, A>C. VCF-style: chr9-34649031-A-C. GRCh37 (hg19) VCF-style: chr9-34649028-A-C.
Other names: c.527A>C, p.Lys176Thr (NM_001258332.2); short protein forms K285T, K176T.
Identifiers: ClinVar variation 2045110 (VCV002045110.4), dbSNP rs367543263, ClinGen allele CA373284297.

ClinVar aggregate classification (germline): Likely pathogenic (1 of 4 stars; one submission).

Conditions:
Deficiency of UDPglucose-hexose-1-phosphate uridylyltransferase. Also called: Transferase Deficiency Galactosemia; GALACTOSEMIA I; GALACTOSE-1-PHOSPHATE URIDYLYLTRANSFERASE DEFICIENCY; GALT deficiency; Galactosemia, classic. Identifiers: Orphanet 352, Orphanet 79239, MedGen C0268151, MONDO:0009258, OMIM 230400.

Submission:

Labcorp Genetics (formerly Invitae), Labcorp
Classification: Likely pathogenic for Deficiency of UDPglucose-hexose-1-phosphate uridylyltransferase. Last evaluated: 2021-12-17. Review status: criteria provided, single submitter. Criteria: Invitae Variant Classification Sherloc (09022015). Collection method: clinical testing. Allele origin: germline.
Comment: This variant is not present in population databases (gnomAD no frequency). This sequence change replaces lysine, which is basic and polar, with threonine, which is neutral and polar, at codon 285 of the GALT protein (p.Lys285Thr). This variant has not been reported in the literature in individuals affected with GALT-related conditions. In summary, the currently available evidence indicates that the variant is pathogenic, but additional data are needed to prove that conclusively. Therefore, this variant has been classified as Likely Pathogenic. This variant disrupts the p.Lys285 amino acid residue in GALT. Other variant(s) that disrupt this residue have been determined to be pathogenic (PMID: 16540753, 18210213, 25592817; Invitae). This suggests that this residue is clinically significant, and that variants that disrupt this residue are likely to be disease-causing. Advanced modeling of protein sequence and biophysical properties (such as structural, functional, and spatial information, amino acid conservation, physicochemical variation, residue mobility, and thermodynamic stability) performed at Invitae indicates that this missense variant is expected to disrupt GALT protein function.

Literature cited by the submitters: PubMed 16540753; PubMed 18210213; PubMed 25592817.